The following is an entry in ClinVar:

ClinVar aggregate classification (germline): Conflicting classifications of pathogenicity. Review status: criteria provided, conflicting classifications (1 of 4 stars). 2 submissions from 2 submitters: Pathogenic (1); Uncertain significance (1). Last evaluated 2023-10-11.

Conditions:
Autosomal recessive limb-girdle muscular dystrophy type 2D (LGMDR3). Also called: MUSCULAR DYSTROPHY, LIMB-GIRDLE, AUTOSOMAL RECESSIVE 3; ADHALINOPATHY, PRIMARY; DUCHENNE-LIKE AUTOSOMAL RECESSIVE MUSCULAR DYSTROPHY, TYPE 2. Identifiers: Orphanet 62, MedGen C2936332, MONDO:0011968, OMIM 608099. Disease mechanism: Affects gamma-sarcoglycan and also disrupts the integrity of the entire sarcoglycan complex..

Submissions (2):

Labcorp Genetics (formerly Invitae), Labcorp
Classification: Pathogenic for Autosomal recessive limb-girdle muscular dystrophy type 2D. Last evaluated: 2023-10-11. Review status: criteria provided, single submitter. Criteria: Invitae Variant Classification Sherloc (09022015). Collection method: clinical testing. Allele origin: germline.
Comment: This sequence change replaces leucine, which is neutral and non-polar, with valine, which is neutral and non-polar, at codon 122 of the SGCA protein (p.Leu122Val). This variant is not present in population databases (gnomAD no frequency). This missense change has been observed in individual(s) with Limb-Girdle muscular dystrophy (Invitae). In at least one individual the data is consistent with being in trans (on the opposite chromosome) from a pathogenic variant. It has also been observed to segregate with disease in related individuals. ClinVar contains an entry for this variant (Variation ID: 595112). Advanced modeling of protein sequence and biophysical properties (such as structural, functional, and spatial information, amino acid conservation, physicochemical variation, residue mobility, and thermodynamic stability) performed at Invitae indicates that this missense variant is expected to disrupt SGCA protein function. For these reasons, this variant has been classified as Pathogenic.

Eurofins Ntd Llc (ga)
Classification: Uncertain significance. Last evaluated: 2017-11-21. Review status: criteria provided, single submitter. Criteria: EGL Classification Definitions 2015. Collection method: clinical testing. Allele origin: germline. Observed: 1 variant allele, 1 heterozygote.

NM_000023.4(SGCA):c.364C>G (p.Leu122Val)

Gene: SGCA (sarcoglycan alpha; plus strand). Cytogenetic location: 17q21.33.
Variant type: single nucleotide variant.
Coding change: c.364C>G on transcript NM_000023.4 (MANE Select); coding-DNA position 364, C replaced by G.
Protein change: p.Leu122Val; replaces leucine 122 with valine.
Molecular consequence: missense variant. On other transcripts: non-coding transcript variant (1).
Genome position (GRCh38, 1-based): chr17:50,167,998, C>G. VCF-style: chr17-50167998-C-G. GRCh37 (hg19) VCF-style: chr17-48245359-C-G.
Other names: c.364C>G, p.Leu122Val (NM_001135697.3); short protein forms L122V.
Identifiers: ClinVar variation 595112 (VCV000595112.8), dbSNP rs1567739857, ClinGen allele CA400178798.
Genomic context (GRCh38, chr17:50,167,998, plus strand): 5'-ATCCCCCAGGTCACAGCCTACAATCGGGACAGCTTTGATACCACTCGGCAGAGGCTGGTG[C>G]TGGAGATTGGGGACCCAGAAGGTACCTCTAGCTGTGCCCCATCCCTTCCCCACCAATGCC-3'
Protein context (NP_000014.1, residues 112-132): SFDTTRQRLV[Leu122Val]EIGDPEGPLL